The following is an entry in ClinVar:

NM_000548.5(TSC2):c.1991C>G (p.Ser664Cys)

Gene: TSC2 (TSC complex subunit 2; plus strand). Cytogenetic location: 16p13.3.
Variant type: single nucleotide variant.
Coding change: c.1991C>G on transcript NM_000548.5 (MANE Select); coding-DNA position 1991, C replaced by G.
Protein change: p.Ser664Cys; replaces serine 664 with cysteine.
Molecular consequence: missense variant.
Genome position (GRCh38, 1-based): chr16:2,071,828, C>G. VCF-style: chr16-2071828-C-G. GRCh37 (hg19) VCF-style: chr16-2121829-C-G.
Other names: c.1991C>G, p.Ser664Cys (NM_001077183.3, NM_001114382.3, NM_001363528.2 and 3 more transcripts); c.1880C>G, p.Ser627Cys (NM_001318827.2); c.1844C>G, p.Ser615Cys (NM_001318829.2); c.1391C>G, p.Ser464Cys (NM_001318831.2); c.2024C>G, p.Ser675Cys (NM_001318832.2); short protein forms S664C, S464C, S627C, S675C, S615C.
Identifiers: ClinVar variation 467913 (VCV000467913.14), dbSNP rs991714565, ClinGen allele CA276737672.

ClinVar aggregate classification (germline): Uncertain significance. Review status: criteria provided, multiple submitters, no conflicts (2 of 4 stars). 3 submissions from 3 submitters: Uncertain significance (3). Last evaluated 2025-04-07.

Conditions:
Tuberous sclerosis 2 (TSC2). Identifiers: Orphanet 805, MedGen C1860707, MONDO:0013199, OMIM 613254.
Isolated focal cortical dysplasia type II (FCORD2). Also called: CORTICAL DYSPLASIA OF TAYLOR; Focal cortical dysplasia type II. Identifiers: Orphanet 268994, MedGen C1846385, MONDO:0011818, OMIM 607341, HP:0032051.
Lymphangiomyomatosis (LAM). Also called: Lymphangioleiomyomatosis; Lymphangioleiomyomatosis, somatic. Identifiers: Orphanet 538, MedGen C0751674, MONDO:0011705, OMIM 606690.
Hereditary cancer-predisposing syndrome. Also called: Hereditary neoplastic syndrome; Neoplastic Syndromes, Hereditary; Tumor predisposition; Hereditary Cancer Syndrome. Identifiers: Orphanet 140162, MedGen C0027672, MeSH D009386, MONDO:0015356.

Allele frequency attached by ClinVar (database versions not stated): gnomAD 0.00001.
gnomAD v4.1: 3 of 1,597,966 alleles (0.00019%); highest among the groups gnomAD compares: Admixed American, 0.0034%; no homozygotes.

Submissions (3):

Ambry Genetics
Classification: Uncertain significance for Hereditary cancer-predisposing syndrome. Last evaluated: 2025-04-07. Review status: criteria provided, single submitter. Criteria: Ambry Variant Classification Scheme 2023. Collection method: clinical testing. Allele origin: germline.
Comment: The p.S664C variant (also known as c.1991C>G), located in coding exon 18 of the TSC2 gene, results from a C to G substitution at nucleotide position 1991. The serine at codon 664 is replaced by cysteine, an amino acid with dissimilar properties. This variant was detected as homozygous in at least one individual (Ambry internal data). This amino acid position is highly conserved in available vertebrate species. In addition, this alteration is predicted to be deleterious by in silico analysis. Based on the available evidence, the clinical significance of this variant remains unclear.

Labcorp Genetics (formerly Invitae), Labcorp
Classification: Uncertain significance for Tuberous sclerosis 2. Last evaluated: 2024-06-04. Review status: criteria provided, single submitter. Criteria: Invitae Variant Classification Sherloc (09022015). Collection method: clinical testing. Allele origin: germline.
Comment: This sequence change replaces serine, which is neutral and polar, with cysteine, which is neutral and slightly polar, at codon 664 of the TSC2 protein (p.Ser664Cys). This variant is not present in population databases (gnomAD no frequency). This variant has not been reported in the literature in individuals affected with TSC2-related conditions. ClinVar contains an entry for this variant (Variation ID: 467913). Advanced modeling of protein sequence and biophysical properties (such as structural, functional, and spatial information, amino acid conservation, physicochemical variation, residue mobility, and thermodynamic stability) performed at Invitae indicates that this missense variant is not expected to disrupt TSC2 protein function with a negative predictive value of 95%. In summary, the available evidence is currently insufficient to determine the role of this variant in disease. Therefore, it has been classified as a Variant of Uncertain Significance.

Fulgent Genetics
Classification: Uncertain significance for Lymphangiomyomatosis; Isolated focal cortical dysplasia type II; Tuberous sclerosis 2. Last evaluated: 2024-02-21. Review status: criteria provided, single submitter. Criteria: ACMG Guidelines, 2015. Collection method: clinical testing. Allele origin: germline.